The following is an entry in ClinVar:

NM_001009944.3(PKD1):c.3612G>A (p.Ala1204=)

Gene: PKD1 (polycystin 1, transient receptor potential channel interacting; minus strand). Cytogenetic location: 16p13.3.
Variant type: single nucleotide variant.
Coding change: c.3612G>A on transcript NM_001009944.3 (MANE Select); coding-DNA position 3612, G replaced by A.
Protein change: p.Ala1204=; no amino-acid change (alanine 1204 retained).
Molecular consequence: synonymous variant.
Genome position (GRCh38, 1-based): chr16:2,111,555, C>T on the plus strand (G>A on the coding strand, the complement: PKD1 is on the minus strand). VCF-style: chr16-2111555-C-T. GRCh37 (hg19) VCF-style: chr16-2161556-C-T.
Other names: c.3612G>A, p.Ala1204= (NM_000296.4).
Identifiers: ClinVar variation 3054431 (VCV003054431.3), dbSNP rs775947695, ClinGen allele CA7832704.
Genomic context (GRCh38, chr16:2,111,555, plus strand): 5'-CTCCACGGCCAGGCTCATGTCCACGCTGAGTCCGCGGAGCTCCTCAAAGACGCGCACATC[C>T]GCCTGGGCCGCCGCACCGCTCACCGTGTTGTTGACCTCCAGGCGCACGTGGTAGGTGCCC-3'
Protein context (NP_001009944.3, residues 1194-1214): NNTVSGAAAQ[Ala1204=]DVRVFEELRG

ClinVar aggregate classification (germline): Likely benign. Review status: criteria provided, single submitter (1 of 4 stars). 2 submissions from 2 submitters: Likely benign (1). 1 of the submissions does not count toward it. Last evaluated 2026-09-01.

Conditions:
PKD1-related disorder. Also called: PKD1-related condition.

Allele frequency attached by ClinVar (database versions not stated): gnomAD 0.00003; ExAC 0.00008.
gnomAD v4.1: 39 of 1,583,062 alleles (0.0025%); highest among the groups gnomAD compares: Admixed American, 0.0054%; no homozygotes.

Submissions (2):

CeGaT Center for Human Genetics Tuebingen
Classification: Likely benign. Last evaluated: 2026-09-01. Review status: criteria provided, single submitter. Criteria: CeGaT Center For Human Genetics Tuebingen Variant Classification Criteria Version 2. Collection method: clinical testing. Allele origin: germline. Affected: yes. Observed: 1 variant allele.
Comment: PKD1: BP4, BP7

PreventionGenetics, part of Exact Sciences
Classification: Likely benign for PKD1-related condition. Last evaluated: 2022-10-17. Review status: no assertion criteria provided. Collection method: clinical testing. Allele origin: germline. Not counted in ClinVar's aggregate classification.
Comment: This variant is classified as likely benign based on ACMG/AMP sequence variant interpretation guidelines (Richards et al. 2015 PMID: 25741868, with internal and published modifications).